The following is an entry in ClinVar:

ClinVar aggregate classification (germline): Likely benign. Review status: criteria provided, single submitter (1 of 4 stars). 3 submissions from 3 submitters: Likely benign (1). 2 of the submissions do not count toward it. Last evaluated 2026-01-13.

Conditions:
LRPPRC-related disorder. Also called: LRPPRC-related condition.
Congenital lactic acidosis, Saguenay-Lac-Saint-Jean type (MC4DN5). Also called: CYTOCHROME c OXIDASE DEFICIENCY, FRENCH CANADIAN TYPE; COX DEFICIENCY, FRENCH CANADIAN TYPE; MITOCHONDRIAL COMPLEX IV DEFICIENCY, NUCLEAR TYPE 5. Identifiers: Orphanet 70472, MedGen C1857355, MONDO:0009069, OMIM 220111.

Submissions (3):

Labcorp Genetics (formerly Invitae), Labcorp
Classification: Likely benign. Last evaluated: 2026-01-13. Review status: criteria provided, single submitter. Criteria: Invitae Variant Classification Sherloc (09022015). Collection method: clinical testing. Allele origin: germline.

PreventionGenetics, part of Exact Sciences
Classification: Likely benign for LRPPRC-related condition. Last evaluated: 2023-02-17. Review status: no assertion criteria provided. Collection method: clinical testing. Allele origin: germline. Not counted in ClinVar's aggregate classification.
Comment: This variant is classified as likely benign based on ACMG/AMP sequence variant interpretation guidelines (Richards et al. 2015 PMID: 25741868, with internal and published modifications).

Counsyl
Classification: Uncertain significance for Congenital lactic acidosis, Saguenay-Lac-Saint-Jean type. Last evaluated: 2017-01-17. Review status: no assertion criteria provided. Collection method: clinical testing. Allele origin: unknown. Not counted in ClinVar's aggregate classification.

NM_133259.4(LRPPRC):c.3986-11_3986-8dup

Gene: LRPPRC (leucine rich pentatricopeptide repeat containing; minus strand). Cytogenetic location: 2p21.
Variant type: Duplication.
Coding change: c.3986-11_3986-8dup on transcript NM_133259.4 (MANE Select); 11 bases into the intron before coding-DNA position 3986 through 8 bases into the intron before coding-DNA position 3986, 4 bases duplicated (CTTT; older notation c.3986-11_3986-8dupCTTT).
Molecular consequence: intron variant.
Genome position (GRCh38, 1-based): chr2:43,889,884-43,889,887, AAAG duplicated on the plus strand (CTTT on the coding strand, the reverse complement: LRPPRC is on the minus strand); duplicating any 4 consecutive bases within chr2:43,889,884-43,889,890 gives the same sequence; the c. name uses the placement nearest the transcript's 3' end. VCF-style (leftmost placement, unchanged base first): chr2-43889883-T-TAAAG. GRCh37 (hg19) VCF-style: chr2-44117022-T-TAAAG.
Other names: c.3986-11_3986-8dupCTTT (NM_133259.3).
Identifiers: ClinVar variation 550076 (VCV000550076.13), dbSNP rs764564351, ClinGen allele CA1637842.